The following is an entry in ClinVar:

ClinVar aggregate classification (germline): Uncertain significance. Review status: criteria provided, multiple submitters, no conflicts (2 of 4 stars). 2 submissions from 2 submitters: Uncertain significance (2). Last evaluated 2025-02-12.

Conditions:
Desmin-related myofibrillar myopathy (MFM1). Also called: MYOFIBRILLAR MYOPATHY WITH ARRHYTHMOGENIC RIGHT VENTRICULAR CARDIOMYOPATHY; DESMIN-RELATED MYOPATHY WITH ARRHYTHMOGENIC RIGHT VENTRICULAR CARDIOMYOPATHY; Myofibrillar myopathy 1; Desmin related myopathy (former name); Desmin storage myopathy (former name); Desminopathy. Identifiers: Orphanet 363543, Orphanet 98909, MedGen C1832370, MONDO:0011076, OMIM 601419.
Cardiovascular phenotype. Identifiers: MedGen CN230736.

Allele frequency attached by ClinVar (database versions not stated): TOPMed below 0.00001.

Submissions (2):

Ambry Genetics
Classification: Uncertain significance for Cardiovascular phenotype. Last evaluated: 2025-02-12. Review status: criteria provided, single submitter. Criteria: Ambry Variant Classification Scheme 2023. Collection method: clinical testing. Allele origin: germline.
Comment: The p.A192V variant (also known as c.575C>T), located in coding exon 1 of the DES gene, results from a C to T substitution at nucleotide position 575. The alanine at codon 192 is replaced by valine, an amino acid with similar properties. This amino acid position is not well conserved in available vertebrate species. In addition, this alteration is predicted to be tolerated by in silico analysis. Based on the available evidence, the clinical significance of this variant remains unclear.

Labcorp Genetics (formerly Invitae), Labcorp
Classification: Uncertain significance for Desmin-related myofibrillar myopathy. Last evaluated: 2021-12-04. Review status: criteria provided, single submitter. Criteria: Invitae Variant Classification Sherloc (09022015). Collection method: clinical testing. Allele origin: germline.
Comment: This sequence change replaces alanine, which is neutral and non-polar, with valine, which is neutral and non-polar, at codon 192 of the DES protein (p.Ala192Val). This variant is not present in population databases (gnomAD no frequency). This variant has not been reported in the literature in individuals affected with DES-related conditions. Algorithms developed to predict the effect of missense changes on protein structure and function (SIFT, PolyPhen-2, Align-GVGD) all suggest that this variant is likely to be tolerated. Algorithms developed to predict the effect of sequence changes on RNA splicing suggest that this variant may create or strengthen a splice site. In summary, the available evidence is currently insufficient to determine the role of this variant in disease. Therefore, it has been classified as a Variant of Uncertain Significance.

NM_001927.4(DES):c.575C>T (p.Ala192Val)

Gene: DES (desmin; plus strand). Cytogenetic location: 2q35.
Variant type: single nucleotide variant.
Coding change: c.575C>T on transcript NM_001927.4 (MANE Select); coding-DNA position 575, C replaced by T.
Protein change: p.Ala192Val; replaces alanine 192 with valine.
Molecular consequence: missense variant. On other transcripts: intron variant (1).
Genome position (GRCh38, 1-based): chr2:219,419,037, C>T. VCF-style: chr2-219419037-C-T. GRCh37 (hg19) VCF-style: chr2-220283759-C-T.
Other names: c.575C>T, p.Ala192Val (NM_001382708.1, NM_001382709.1, NM_001382710.1 and 2 more transcripts); c.495+80C>T (NM_001382713.1); c.575C>T (NM_001927.3); short protein forms A192V.
Identifiers: ClinVar variation 1423451 (VCV001423451.7), dbSNP rs889191100, ClinGen allele CA65981381.